The following is an entry in ClinVar:

ClinVar aggregate classification (germline): Benign/Likely benign. Review status: criteria provided, multiple submitters, no conflicts (2 of 4 stars). 3 submissions from 3 submitters: Benign (1); Likely benign (2). Last evaluated 2025-10-19.

Conditions:
Hereditary cancer-predisposing syndrome. Also called: Tumor predisposition; Neoplastic Syndromes, Hereditary; Hereditary Cancer Syndrome; Hereditary neoplastic syndrome. Identifiers: Orphanet 140162, MedGen C0027672, MeSH D009386, MONDO:0015356.
Oligodontia-cancer predisposition syndrome. Also called: TOOTH AGENESIS-COLORECTAL CANCER SYNDROME. Identifiers: Orphanet 300576, MedGen C1837750, MONDO:0012075, OMIM 608615. Disease mechanism: loss of function.

Allele frequency attached by ClinVar (database versions not stated): gnomAD exomes below 0.00001 and 0.00001; TOPMed 0.00001; ExAC 0.00002.
gnomAD v4.1: 3 of 1,599,732 alleles (0.00019%); highest among the groups gnomAD compares: Non-Finnish European, 0.00026%; no homozygotes.

Submissions (3):

Labcorp Genetics (formerly Invitae), Labcorp
Classification: Likely benign for Oligodontia-cancer predisposition syndrome. Last evaluated: 2025-10-19. Review status: criteria provided, single submitter. Criteria: Invitae Variant Classification Sherloc (09022015). Collection method: clinical testing. Allele origin: germline.

Myriad Genetics, Inc.
Classification: Benign for Oligodontia-cancer predisposition syndrome. Last evaluated: 2024-06-25. Review status: criteria provided, single submitter. Criteria: Myriad Autosomal Dominant, Autosomal Recessive and X-Linked Classification Criteria (2023). Collection method: clinical testing. Allele origin: unknown.
Comment: This variant is considered benign. This variant is a silent/synonymous amino acid change and it is not expected to impact splicing.

Ambry Genetics
Classification: Likely benign for Hereditary cancer-predisposing syndrome. Last evaluated: 2022-10-11. Review status: criteria provided, single submitter. Criteria: Ambry Variant Classification Scheme 2023. Collection method: clinical testing. Allele origin: germline.

NM_004655.4(AXIN2):c.195G>A (p.Pro65=)

Gene: AXIN2 (axin 2; minus strand). Cytogenetic location: 17q24.1.
Variant type: single nucleotide variant.
Coding change: c.195G>A on transcript NM_004655.4 (MANE Select); coding-DNA position 195, G replaced by A.
Protein change: p.Pro65=; no amino-acid change (proline 65 retained).
Molecular consequence: synonymous variant.
Genome position (GRCh38, 1-based): chr17:65,558,426, C>T on the plus strand (G>A on the coding strand, the complement: AXIN2 is on the minus strand). VCF-style: chr17-65558426-C-T. GRCh37 (hg19) VCF-style: chr17-63554544-C-T.
Other names: c.195G>A, p.Pro65= (NM_001363813.1).
Identifiers: ClinVar variation 763680 (VCV000763680.14), dbSNP rs748515719, ClinGen allele CA8719084.